The following is an entry in ClinVar:

NM_020533.3(MCOLN1):c.304C>T (p.Arg102Ter)

Gene: MCOLN1 (mucolipin TRP cation channel 1; plus strand). Cytogenetic location: 19p13.2.
Variant type: single nucleotide variant.
Coding change: c.304C>T on transcript NM_020533.3 (MANE Select); coding-DNA position 304, C replaced by T.
Protein change: p.Arg102Ter; replaces arginine 102 with a stop codon.
Molecular consequence: nonsense.
Genome position (GRCh38, 1-based): chr19:7,526,505, C>T. VCF-style: chr19-7526505-C-T. GRCh37 (hg19) VCF-style: chr19-7591391-C-T.
Other names: short protein forms R102*.
Identifiers: ClinVar variation 5136 (VCV000005136.29), dbSNP rs121908373, ClinGen allele CA340345.
Genomic context (GRCh38, chr19:7,526,505, plus strand): 5'-CTGTTTGGGCTCAGTAATCAGCTGGCTGTGACATTCCGGGAAGAGAACACCATCGCCTTC[C>T]GACACCTCTTCCTGCTGGGCTACTCGGACGGAGCGGATGACACCTTCGCAGCCTACACGC-3'

ClinVar aggregate classification (germline): Pathogenic. Review status: criteria provided, multiple submitters, no conflicts (2 of 4 stars). 12 submissions from 12 submitters: Pathogenic (10). 2 of the submissions do not count toward it. Last evaluated 2025-12-26.

Conditions:
Mucolipidosis type IV (ML4). Also called: ML IV. Identifiers: Orphanet 578, MedGen C0238286, MONDO:0009653, OMIM 252650.

Allele frequency attached by ClinVar (database versions not stated): gnomAD exomes 0.00002 and 0.00001; ExAC 0.00005; TOPMed 0.00002; gnomAD 0.00003.

Submissions (12):

Otogenetics
Classification: Pathogenic for Mucolipidosis type IV. Last evaluated: 2025-12-26. Review status: criteria provided, single submitter. Criteria: ACMG Guidelines, 2015. Collection method: clinical testing. Allele origin: germline.
Comment: PVS1: Stop gain variant introduces premature stop codon in gene with loss of function as mechanism of disease, predicted to undergo NMD; PM2: Maximum gnomAD MAF of 0.004% in African (AFR) subpopulation (<0.05% threshold); PM3_Supporting: Variant reported in trans with another pathogenic variant in one individual affected with mucolipidosis type IV (PMID: 32604955)

Labcorp Genetics (formerly Invitae), Labcorp
Classification: Pathogenic for Mucolipidosis type IV. Last evaluated: 2025-10-06. Review status: criteria provided, single submitter. Criteria: Invitae Variant Classification Sherloc (09022015). Collection method: clinical testing. Allele origin: germline.
Comment: This sequence change creates a premature translational stop signal (p.Arg102*) in the MCOLN1 gene. It is expected to result in an absent or disrupted protein product. Loss-of-function variants in MCOLN1 are known to be pathogenic (PMID: 11030752, 11317355, 37972748). This variant is present in population databases (rs121908373, gnomAD 0.007%). This premature translational stop signal has been observed in individual(s) with mucolipidosis type IV (PMID: 11030752). ClinVar contains an entry for this variant (Variation ID: 5136). For these reasons, this variant has been classified as Pathogenic.

Variantyx, Inc.
Classification: Pathogenic for Mucolipidosis type IV. Last evaluated: 2025-04-30. Review status: criteria provided, single submitter. Criteria: Variantyx Assertion Criteria 2022. Collection method: clinical testing. Allele origin: germline. Inheritance: Autosomal recessive inheritance. Affected: yes.
Comment: This is a nonsense variant in the MCOLN1 gene (OMIM: 605248). Pathogenic variants in this gene have been associated with autosomal recessive mucolipidosis IV. This variant introduces a premature termination codon in exon 3 out of 14and is expected to result in loss of function, which is a known disease mechanism for MCOLN1 in this disorder (PMID: 11030752, 11317355, 37972748) (PVS1). Based on the current evidence, this variant is classified as pathogenic for autosomal recessive mucolipidosis IV.

Natera, Inc.
Classification: Pathogenic for Mucolipidosis type IV. Last evaluated: 2025-03-06. Review status: criteria provided, single submitter. Criteria: Natera Variant Classification Schema (03/2026). Collection method: clinical testing. Allele origin: germline.
Comment: The c.304C>T variant in MCOLN1 is a nonsense variant predicted to introduce a stop codon at amino acid 102. This variant is expected to result in nonsense mediated decay, truncation, or a dysfunctional protein product. This variant is rare in the general population with a frequency below the threshold expected for the associated phenotype(s). This variant has been observed in one or more individuals affected with the associated recessive disease, as either homozygous or compound heterozygous with a second variant (PMID: 12182165). Given the available evidence, this variant is classified as Pathogenic.

3billion
Classification: Pathogenic for Mucolipidosis type IV. Last evaluated: 2025-02-13. Review status: criteria provided, single submitter. Criteria: ACMG Guidelines, 2015. Collection method: clinical testing. Allele origin: germline. Affected: yes.
Comment: The variant is observed at an extremely low frequency in the gnomAD v4.1.0 dataset (total allele frequency: <0.001%). Predicted Consequence/Location: Stop-gained (nonsense): predicted to result in a loss or disruption of normal protein function through nonsense-mediated decay (NMD) or protein truncation. Multiple pathogenic variants are reported downstream of the variant. The variant has been reported at least twice as pathogenic with clinical assertions and evidence for the classification (ClinVar ID: VCV000005136 /PMID: 11030752). Therefore, this variant is classified as Pathogenic according to the recommendation of ACMG/AMP guideline.

GeneDx
Classification: Pathogenic. Last evaluated: 2024-07-22. Review status: criteria provided, single submitter. Criteria: GeneDx Variant Classification Process June 2021. Collection method: clinical testing. Allele origin: germline. Affected: yes.
Comment: Nonsense variant predicted to result in protein truncation or nonsense mediated decay in a gene for which loss of function is a known mechanism of disease; Not observed at significant frequency in large population cohorts (gnomAD); This variant is associated with the following publications: (PMID: 25525159, 21763169, 11317355, 12125810, 34426522, 31589614, 32604955, 31899079, 32426895, 35159355, 11030752)

Fulgent Genetics
Classification: Pathogenic for Mucolipidosis type IV. Last evaluated: 2021-10-15. Review status: criteria provided, single submitter. Criteria: ACMG Guidelines, 2015. Collection method: clinical testing. Allele origin: unknown.

Women's Health and Genetics/Laboratory Corporation of America, LabCorp
Classification: Pathogenic for Mucolipidosis type IV. Last evaluated: 2017-06-23. Review status: criteria provided, single submitter. Criteria: LabCorp Variant Classification Summary - May 2015. Collection method: clinical testing. Allele origin: germline.
Comment: Variant summary: The MCOLN1 c.304C>T (p.Arg102X) variant results in a premature termination codon, predicted to cause a truncated or absent MCOLN1 protein due to nonsense mediated decay, which are commonly known mechanisms for disease. A truncation downstream of this position have been classified as pathogenic by our laboratory , c.1615delG (p.Ala539fsX41). This variant was found in 6/121384 control chromosomes at a frequency of 0.0000494, which does not exceed the estimated maximal expected allele frequency of a pathogenic MCOLN1 variant (0.0030619). A publication cites this variant in an affected compound heterozygote individual. In addition, multiple clinical diagnostic laboratories/reputable databases classified this variant as pathogenic. Taken together, this variant is classified as pathogenic.

Eurofins Ntd Llc (ga)
Classification: Pathogenic. Last evaluated: 2016-08-17. Review status: criteria provided, single submitter. Criteria: EGL Classification Definitions 2015. Collection method: clinical testing. Allele origin: germline. Observed: 1 variant allele, 1 homozygote.

Neuberg Centre For Genomic Medicine, NCGM
Classification: Pathogenic for Mucolipidosis type IV. Review status: criteria provided, single submitter. Criteria: ACMG Guidelines, 2015. Collection method: clinical testing. Allele origin: germline. Inheritance: Autosomal recessive inheritance. Affected: yes.
Comment: The observed stop gained variant c.304C>T (p.Arg102Ter) in MCOLN1 gene has been reported in homozygous and compound heterozygous state in multiple individuals affected with Mucolipidosis IV (ezela-Stanek A et al. 2020; Zhang S et al. 2017; Wakabayashi K et al. 2011). The p.Arg102Ter variant has allele frequency 0.002% in gnomAD Exomes. This variant has been submitted to the ClinVar database as Likely Pathogenic / Pathogenic (multiple submitters). The nucleotide change c.304C>T in MCOLN1 is predicted as conserved by GERP++ and PhyloP across 100 vertebrates. This variant is predicted to cause loss of normal protein function through protein truncation. Loss-of-function variants in MCOLN1 are known to be pathogenic (Sun M et al. 2000). For these reasons, this variant has been classified as Pathogenic.

Counsyl
Classification: Likely pathogenic for Mucolipidosis type IV. Last evaluated: 2015-07-22. Review status: no assertion criteria provided. Collection method: clinical testing. Allele origin: unknown. Not counted in ClinVar's aggregate classification.

OMIM
Classification: Pathogenic for MUCOLIPIDOSIS IV. Last evaluated: 2000-10-12. Review status: no assertion criteria provided. Collection method: literature only. Allele origin: germline. Not counted in ClinVar's aggregate classification.

Literature cited by the submitters: PubMed 32604955 (cited by Otogenetics); PubMed 11030752 (cited by 6 submitters); PubMed 11317355 (cited by Labcorp Genetics (formerly Invitae), Labcorp and Variantyx, Inc.); PubMed 37972748 (cited by Labcorp Genetics (formerly Invitae), Labcorp and Variantyx, Inc.); PubMed 12182165 (cited by Natera, Inc. and Women's Health and Genetics/Laboratory Corporation of America, LabCorp).